The following is an entry in ClinVar:

ClinVar aggregate classification (germline): Benign/Likely benign. Review status: criteria provided, multiple submitters, no conflicts (2 of 4 stars). 17 submissions from 17 submitters: Benign (5); Likely benign (6). 6 of the submissions do not count toward it. Last evaluated 2026-04-01.

Conditions:
Cardiovascular phenotype. Identifiers: MedGen CN230736.
Cardiomyopathy (CMYO). Also called: Cardiomyopathies. Identifiers: Orphanet 167848, MedGen C0878544, MONDO:0004994, HP:0001638. Inheritance: Various modes of inheritance.
Myofibrillar myopathy 4. Also called: Zaspopathy (type). Identifiers: Orphanet 98912, MedGen C4721886, MONDO:0012277, OMIM 609452.

Allele frequency attached by ClinVar (database versions not stated): TOPMed 0.00083; gnomAD 0.00090 and 0.00095; gnomAD exomes 0.00109 and 0.00133; ExAC 0.00137; ESP Exome Variant Server 0.00138.
gnomAD v4.1: 2,065 of 1,613,018 alleles (0.13%); highest among the groups gnomAD compares: Non-Finnish European, 0.16%; 3 homozygotes.

Submissions (20):

CeGaT Center for Human Genetics Tuebingen
Classification: Likely benign. Last evaluated: 2026-04-01. Review status: criteria provided, single submitter. Criteria: CeGaT Center For Human Genetics Tuebingen Variant Classification Criteria Version 2. Collection method: clinical testing. Allele origin: germline. Affected: yes. Observed: 6 variant alleles.
Comment: LDB3: BP4, BP7

Labcorp Genetics (formerly Invitae), Labcorp
Classification: Benign for Myofibrillar myopathy 4. Last evaluated: 2026-01-25. Review status: criteria provided, single submitter. Criteria: Invitae Variant Classification Sherloc (09022015). Collection method: clinical testing. Allele origin: germline.

ARUP Laboratories, Molecular Genetics and Genomics, ARUP Laboratories
Classification: Benign. Last evaluated: 2025-01-29. Review status: criteria provided, single submitter. Criteria: ARUP Molecular Germline Variant Investigation Process 2024. Collection method: clinical testing. Allele origin: germline.

Blueprint Genetics
Classification: Likely benign. Last evaluated: 2024-11-26. Review status: criteria provided, single submitter. Criteria: ACMG Guidelines, 2015. Collection method: clinical testing. Allele origin: germline.

Women's Health and Genetics/Laboratory Corporation of America, LabCorp
Classification: Benign. Last evaluated: 2022-07-30. Review status: criteria provided, single submitter. Criteria: LabCorp Variant Classification Summary - May 2015. Collection method: clinical testing. Allele origin: germline.

Athena Diagnostics
Classification: Benign. Last evaluated: 2018-06-26. Review status: criteria provided, single submitter. Criteria: Athena Diagnostics Criteria. Collection method: clinical testing. Allele origin: germline.

CHEO Genetics Diagnostic Laboratory, Children's Hospital of Eastern Ontario
Classification: Likely benign for Cardiomyopathy. Last evaluated: 2017-01-05. Review status: criteria provided, single submitter. Criteria: ACMG Guidelines, 2015. Collection method: clinical testing. Allele origin: germline. Study: Canadian Open Genetics Repository.

Ambry Genetics
Classification: Likely benign for Cardiovascular phenotype. Last evaluated: 2016-10-23. Review status: criteria provided, single submitter. Criteria: Ambry Variant Classification Scheme 2023. Collection method: clinical testing. Allele origin: germline.

PreventionGenetics, part of Exact Sciences
Classification: Likely benign. Last evaluated: 2016-02-09. Review status: criteria provided, single submitter. Criteria: ACMG Guidelines, 2015. Collection method: clinical testing. Allele origin: germline.

Laboratory for Molecular Medicine, Mass General Brigham Personalized Medicine
Classification: Likely benign. Last evaluated: 2015-07-28. Review status: criteria provided, single submitter. Criteria: LMM Criteria. Collection method: clinical testing. Allele origin: germline. Observed: 5 variant alleles.
Comment: p.Ala331Ala in exon 10 of LDB3: This variant is not expected to have clinical si gnificance because it does not alter an amino acid residue and is not located wi thin the splice consensus sequence. It has been identified in 0.2% (150/65132) o f European chromosomes by the Exome Aggregation Consortium (ExAC; dbSNP rs140347820).

GeneDx
Classification: Benign. Last evaluated: 2015-03-03. Review status: criteria provided, single submitter. Criteria: GeneDx Variant Classification Process June 2021. Collection method: clinical testing. Allele origin: germline. Affected: yes.

Clinical Genetics DNA and cytogenetics Diagnostics Lab, Erasmus MC, Erasmus Medical Center
Classification: Likely benign. Review status: no assertion criteria provided. Collection method: clinical testing. Allele origin: germline. Affected: yes. Study: VKGL Data-share Consensus. Not counted in ClinVar's aggregate classification.

Clinical Genetics, Academic Medical Center
Classification: Benign. Review status: no assertion criteria provided. Collection method: clinical testing. Allele origin: germline. Affected: yes. Study: VKGL Data-share Consensus. Not counted in ClinVar's aggregate classification.

Diagnostic Laboratory, Department of Genetics, University Medical Center Groningen
Classification: Likely benign. Review status: no assertion criteria provided. Collection method: clinical testing. Allele origin: germline. Affected: yes. Study: VKGL Data-share Consensus. Not counted in ClinVar's aggregate classification.

Dr. Peter K. Rogan Lab, Western University
No classification provided (evidence only). Condition: Malignant tumor of urinary bladder. Review status: no classification provided. Collection method: in vitro. Allele origin: not applicable. Functional consequence: retained intron. Not counted in ClinVar's aggregate classification.

Dr. Peter K. Rogan Lab, Western University
No classification provided (evidence only). Condition: Lung cancer. Review status: no classification provided. Collection method: in vitro. Allele origin: not applicable. Functional consequence: retained intron. Not counted in ClinVar's aggregate classification.

Dr. Peter K. Rogan Lab, Western University
No classification provided (evidence only). Condition: Gastric cancer. Review status: no classification provided. Collection method: in vitro. Allele origin: not applicable. Functional consequence: retained intron. Not counted in ClinVar's aggregate classification.

Genome Diagnostics Laboratory, University Medical Center Utrecht
Classification: Likely benign. Review status: no assertion criteria provided. Collection method: clinical testing. Allele origin: germline. Affected: yes. Study: VKGL Data-share Consensus. Not counted in ClinVar's aggregate classification.

Joint Genome Diagnostic Labs from Nijmegen and Maastricht, Radboudumc and MUMC+
Classification: Likely benign. Review status: no assertion criteria provided. Collection method: clinical testing. Allele origin: germline. Affected: yes. Study: VKGL Data-share Consensus. Not counted in ClinVar's aggregate classification.

Laboratory of Diagnostic Genome Analysis, Leiden University Medical Center (LUMC)
Classification: Likely benign. Review status: no assertion criteria provided. Collection method: clinical testing. Allele origin: germline. Affected: yes. Study: VKGL Data-share Consensus. Not counted in ClinVar's aggregate classification.

NM_007078.3(LDB3):c.993G>A (p.Ala331=)

Gene: LDB3 (LIM domain binding 3; plus strand). Cytogenetic location: 10q23.2.
Variant type: single nucleotide variant.
Coding change: c.993G>A on transcript NM_007078.3 (MANE Select); coding-DNA position 993, G replaced by A.
Protein change: p.Ala331=; no amino-acid change (alanine 331 retained).
Molecular consequence: synonymous variant. On other transcripts: intron variant (4).
Genome position (GRCh38, 1-based): chr10:86,706,627, G>A. VCF-style: chr10-86706627-G-A. GRCh37 (hg19) VCF-style: chr10-88466384-G-A.
Other names: c.852G>A, p.Ala284= (NM_001368066.1); c.897-3278G>A (NM_001368064.1, NM_001368065.1); c.1101-3278G>A (NM_001171610.2); c.756-3278G>A (NM_001080114.2); c.*7253G>A (NM_001080116.1).
Identifiers: ClinVar variation 45561 (VCV000045561.67), dbSNP rs140347820, ClinGen allele CA136653.